The following is an entry in ClinVar:

NM_206933.4(USH2A):c.10385C>T (p.Thr3462Ile)

Gene: USH2A (usherin; minus strand). Cytogenetic location: 1q41.
Variant type: single nucleotide variant.
Coding change: c.10385C>T on transcript NM_206933.4 (MANE Select); coding-DNA position 10385, C replaced by T.
Protein change: p.Thr3462Ile; replaces threonine 3462 with isoleucine.
Molecular consequence: missense variant.
Genome position (GRCh38, 1-based): chr1:215,786,672, G>A on the plus strand (C>T on the coding strand, the complement: USH2A is on the minus strand). VCF-style: chr1-215786672-G-A. GRCh37 (hg19) VCF-style: chr1-215960014-G-A.
Other names: short protein forms T3462I.
Identifiers: ClinVar variation 801611 (VCV000801611.16), dbSNP rs1416602859, ClinGen allele CA344839529.

ClinVar aggregate classification (germline): Conflicting classifications of pathogenicity. Review status: criteria provided, conflicting classifications (1 of 4 stars). 7 submissions from 7 submitters: Pathogenic (1); Likely pathogenic (5); Uncertain significance (1). Last evaluated 2025-12-27.

Conditions:
Usher syndrome type 2A. Also called: RETINAL DISEASE IN USHER SYNDROME TYPE IIA, MODIFIER OF; USHER SYNDROME, TYPE IIA. Identifiers: Orphanet 231178, Orphanet 886, MedGen C1848634, MONDO:0010169, OMIM 276901.
Retinitis pigmentosa 39 (RP39). Identifiers: Orphanet 791, MedGen C3151138, MONDO:0013436, OMIM 613809.
Usher syndrome. Also called: Usher Syndromes; Usher's syndrome. Identifiers: Orphanet 886, MedGen CN469326, MeSH D052245, MONDO:0019501. Disease mechanism: loss of function.

Submissions (7):

Mendelics
Classification: Likely pathogenic for Usher syndrome type 2A. Last evaluated: 2025-12-27. Review status: criteria provided, single submitter. Criteria: Mendelics Assertion Criteria 2017. Collection method: clinical testing. Allele origin: unknown. Inheritance: Autosomal recessive inheritance.
Comment: The variant Chr1:215,960,014 G>A (alternatively c.10385 C>T, ENST00000307340) results in the amino acid substitution p.Thr3462Ile (threonine to isoleucine) at position 3462. In silico pathogenicity predictors suggest this variant is tolerated. This specific variant has not been previously described in the literature as pathogenic; however, it has been identified on at least one occasion in an individual diagnosed with Usher syndrome (PMID 20507924), and is absent in GnomAD v4.1.0 database. Although, according to the recommendations of the American College of Medical Genetics (ACMG), classified as a variant of uncertain significance (VUS), other submissions and additional literature (PMID: 34599368, 28559085) support this variant as likely pathogenic.

Labcorp Genetics (formerly Invitae), Labcorp
Classification: Pathogenic. Last evaluated: 2024-09-26. Review status: criteria provided, single submitter. Criteria: Invitae Variant Classification Sherloc (09022015). Collection method: clinical testing. Allele origin: germline.
Comment: This sequence change replaces threonine, which is neutral and polar, with isoleucine, which is neutral and non-polar, at codon 3462 of the USH2A protein (p.Thr3462Ile). This variant is not present in population databases (gnomAD no frequency). This missense change has been observed in individual(s) with Usher syndrome (PMID: 28559085). In at least one individual the data is consistent with being in trans (on the opposite chromosome) from a pathogenic variant. It has also been observed to segregate with disease in related individuals. ClinVar contains an entry for this variant (Variation ID: 801611). An algorithm developed to predict the effect of missense changes on protein structure and function outputs the following: PolyPhen-2: "Benign". The isoleucine amino acid residue is found in multiple mammalian species, which suggests that this missense change does not adversely affect protein function. Algorithms developed to predict the effect of sequence changes on RNA splicing suggest that this variant may disrupt the consensus splice site. For these reasons, this variant has been classified as Pathogenic.

Natera, Inc.
Classification: Likely pathogenic for Usher syndrome type 2A. Last evaluated: 2024-09-17. Review status: criteria provided, single submitter. Criteria: Natera Variant Classification Schema (03/2026). Collection method: clinical testing. Allele origin: germline.
Comment: The c.10385C>T variant in USH2A is a missense variant predicted to cause substitution of threonine to isoleucine at amino acid 3462. This variant is rare in the general population with a frequency below the threshold expected for the associated phenotype(s). This variant has been observed in one or more individuals affected with the associated recessive disease, as either homozygous or compound heterozygous with a second variant (PMID: 28559085, 34599368). Given the available evidence, this variant is classified as Likely Pathogenic.

Fulgent Genetics
Classification: Likely pathogenic for Usher syndrome type 2A; Retinitis pigmentosa 39. Last evaluated: 2024-04-12. Review status: criteria provided, single submitter. Criteria: ACMG Guidelines, 2015. Collection method: clinical testing. Allele origin: germline.

Women's Health and Genetics/Laboratory Corporation of America, LabCorp
Classification: Likely pathogenic for Usher syndrome. Last evaluated: 2024-04-11. Review status: criteria provided, single submitter. Criteria: LabCorp Variant Classification Summary - May 2015. Collection method: clinical testing. Allele origin: germline.
Comment: Variant summary: USH2A c.10385C>T (p.Thr3462Ile) results in a non-conservative amino acid change located in the Fibronectin type III domain (IPR003961) of the encoded protein sequence. Three of five in-silico tools predict a benign effect of the variant on protein function. The variant was absent in 251156 control chromosomes. c.10385C>T has been reported in the literature in compound heterozygous individuals affected with or with clinical features of Usher Syndrome (e.g. McGee_2010, Stone_2017, Batisocco_2022). These data indicate that the variant is likely to be associated with disease. To our knowledge, no experimental evidence demonstrating an impact on protein function has been reported. The following publications have been ascertained in the context of this evaluation (PMID: 34599368, 20507924, 28559085). ClinVar contains an entry for this variant (Variation ID: 801611). Based on the evidence outlined above, the variant was classified as likely pathogenic.

Baylor Genetics
Classification: Likely pathogenic for Retinitis pigmentosa 39. Last evaluated: 2024-01-17. Review status: criteria provided, single submitter. Criteria: ACMG Guidelines, 2015. Collection method: clinical testing. Allele origin: unknown.

Laboratory of Molecular, Cellular and Translation Genetics in Otolaryngology/ Lim32-hcfmusp, University of Sao Paulo School of Medicine Clinics Hospital
Classification: Uncertain significance for Usher syndrome type 2A. Review status: criteria provided, single submitter. Criteria: ClinGen HL ACMG Specifications v1. Collection method: research. Allele origin: germline. Inheritance: Autosomal recessive inheritance. Affected: yes. Observed: 1 variant allele, 1 compound heterozygote. Segregation with disease observed.

Literature cited by the submitters: PubMed 20507924 (cited by Mendelics and Women's Health and Genetics/Laboratory Corporation of America, LabCorp); PubMed 34599368 (cited by 4 submitters); PubMed 28559085 (cited by 4 submitters).